The following is an entry in ClinVar:

ClinVar aggregate classification (germline): Uncertain significance (1 of 4 stars; one submission).

Conditions:
Baller-Gerold syndrome (BGS). Also called: CRANIOSYNOSTOSIS WITH RADIAL DEFECTS. Identifiers: Orphanet 1225, MedGen C0265308, MONDO:0009039, OMIM 218600.

Submission:

Labcorp Genetics (formerly Invitae), Labcorp
Classification: Uncertain significance for Baller-Gerold syndrome. Last evaluated: 2020-07-15. Review status: criteria provided, single submitter. Criteria: Invitae Variant Classification Sherloc (09022015). Collection method: clinical testing. Allele origin: germline.
Comment: In summary, the available evidence is currently insufficient to determine the role of this variant in disease. Therefore, it has been classified as a Variant of Uncertain Significance. Experimental studies and prediction algorithms are not available or were not evaluated, and the functional significance of this variant is currently unknown. This variant has not been reported in the literature in individuals with RECQL4-related conditions. This variant is not present in population databases (ExAC no frequency). This sequence change replaces glycine with serine at codon 543 of the RECQL4 protein (p.Gly543Ser). The glycine residue is moderately conserved and there is a small physicochemical difference between glycine and serine.

NM_004260.4(RECQL4):c.1627G>A (p.Gly543Ser)

Gene: RECQL4 (RecQ like helicase 4; minus strand). Cytogenetic location: 8q24.3.
Variant type: single nucleotide variant.
Coding change: c.1627G>A on transcript NM_004260.4 (MANE Select); coding-DNA position 1627, G replaced by A.
Protein change: p.Gly543Ser; replaces glycine 543 with serine.
Molecular consequence: missense variant.
Genome position (GRCh38, 1-based): chr8:144,514,519, C>T on the plus strand (G>A on the coding strand, the complement: RECQL4 is on the minus strand). VCF-style: chr8-144514519-C-T. GRCh37 (hg19) VCF-style: chr8-145739903-C-T.
Other names: short protein forms G543S.
Identifiers: ClinVar variation 1043472 (VCV001043472.3), dbSNP rs1193351573, ClinGen allele CA372683121.